The following is an entry in ClinVar:

ClinVar aggregate classification (germline): Likely pathogenic. Review status: criteria provided, single submitter (1 of 4 stars). 2 submissions from 2 submitters: Likely pathogenic (1). 1 of the submissions does not count toward it. Last evaluated 2018-10-15.

Conditions:
X-linked congenital hemolytic anemia (HACXL). Identifiers: MedGen C4746970, MONDO:0060455, OMIM 301015.

Submissions (2):

SIB Swiss Institute of Bioinformatics
Classification: Likely pathogenic for X-linked congenital hemolytic anemia. Last evaluated: 2018-10-15. Review status: criteria provided, single submitter. Criteria: ACMG Guidelines, 2015. Collection method: curation. Allele origin: germline.
Comment: This variant is interpreted as Likely Pathogenic, for Hemolytic anemia, congenital, X-linked. The following ACMG Tag(s) were applied: PM2 => Absent from controls (or at extremely low frequency if recessive) in Exome Sequencing Project, 1000 Genomes Project, or Exome Aggregation Consortium. PS3 => Well-established functional studies show a deleterious effect (PubMed 26944472).

OMIM
Classification: Pathogenic for HEMOLYTIC ANEMIA, CONGENITAL, X-LINKED. Last evaluated: 2022-04-12. Review status: no assertion criteria provided. Collection method: literature only. Allele origin: germline. Not counted in ClinVar's aggregate classification.

Literature cited by the submitters: PubMed 26944472 (cited by SIB Swiss Institute of Bioinformatics and OMIM).

NM_001353812.2(ATP11C):c.1244C>A (p.Thr415Asn)

Gene: ATP11C (ATPase phospholipid transporting 11C; minus strand). Cytogenetic location: Xq27.1.
Variant type: single nucleotide variant.
Coding change: c.1244C>A on transcript NM_001353812.2 (MANE Select); coding-DNA position 1244, C replaced by A.
Protein change: p.Thr415Asn; replaces threonine 415 with asparagine.
Molecular consequence: missense variant.
Genome position (GRCh38, 1-based): chrX:139,789,451, G>T on the plus strand (C>A on the coding strand, the complement: ATP11C is on the minus strand). VCF-style: chrX-139789451-G-T. GRCh37 (hg19) VCF-style: chrX-138871610-G-T.
Other names: ATP11C, THR418ASN (1 patient); c.1244C>A, p.Thr415Asn (NM_001353810.2, NM_001353811.2); c.1253C>A, p.Thr418Asn (NM_173694.5, NM_001010986.3); short protein forms T418N, T415N.
Identifiers: ClinVar variation 560168 (VCV000560168.2), dbSNP rs1556323334, ClinGen allele CA414474917.
Genomic context (GRCh38, chrX:139,789,451, plus strand): 5'-GTTACACCTTTATATTTGTGGCCATCTATGCAGCATTCAATGAATTCCATGCTGTTTTCA[G>T]TGAGTGTTCCAGTCTTATCTGTAAATACATAATCCACCTAAAACAAGGACACAAACATAT-3'
Protein context (NP_001340741.2, residues 405-425): YVFTDKTGTL[Thr415Asn]ENSMEFIECC